The following is an entry in ClinVar:

ClinVar aggregate classification (germline): Likely benign (1 of 4 stars; one submission).

Conditions:
EPS8L2-related disorder. Also called: EPS8L2-related condition.

Submission:

PreventionGenetics, part of Exact Sciences
Classification: Likely benign for EPS8L2-related condition. Last evaluated: 2025-01-05. Review status: criteria provided, single submitter. Criteria: ACMG Guidelines, 2015. Collection method: clinical testing. Allele origin: germline.
Comment: This variant is classified as likely benign based on ACMG/AMP sequence variant interpretation guidelines (Richards et al. 2015 PMID: 25741868, with internal and published modifications).

NM_022772.4(EPS8L2):c.1681-10G>C

Gene: EPS8L2 (EPS8 signaling adaptor L2; plus strand). Cytogenetic location: 11p15.5.
Variant type: single nucleotide variant.
Coding change: c.1681-10G>C on transcript NM_022772.4 (MANE Select); 10 bases into the intron before coding-DNA position 1681, G replaced by C.
Molecular consequence: intron variant.
Genome position (GRCh38, 1-based): chr11:726,088, G>C. VCF-style: chr11-726088-G-C. GRCh37 (hg19) VCF-style: chr11-726088-G-C.
Other names: c.1681-10G>C (NM_001441192.1, NM_001441193.1); c.1144-10G>C (NM_001441194.1).
Identifiers: ClinVar variation 4983992 (VCV004983992.1).